The following is an entry in ClinVar:

ClinVar aggregate classification (germline): Uncertain significance (1 of 4 stars; one submission).

gnomAD v4.1: 1 of 1,614,124 alleles (0.000062%); highest among the groups gnomAD compares: Non-Finnish European, 0.000085%; no homozygotes.

Submission:

Labcorp Genetics (formerly Invitae), Labcorp
Classification: Uncertain significance. Last evaluated: 2020-12-10. Review status: criteria provided, single submitter. Criteria: Invitae Variant Classification Sherloc (09022015). Collection method: clinical testing. Allele origin: germline.
Comment: This variant has not been reported in the literature in individuals with TNFSF11-related conditions. This sequence change replaces histidine with arginine at codon 85 of the TNFSF11 protein (p.His85Arg). The histidine residue is moderately conserved and there is a small physicochemical difference between histidine and arginine. This variant is not present in population databases (ExAC no frequency). Algorithms developed to predict the effect of missense changes on protein structure and function output the following: SIFT: "Tolerated"; PolyPhen-2: "Benign"; Align-GVGD: "Class C0". The arginine amino acid residue is found in multiple mammalian species, suggesting that this missense change does not adversely affect protein function. These predictions have not been confirmed by published functional studies and their clinical significance is uncertain. In summary, the available evidence is currently insufficient to determine the role of this variant in disease. Therefore, it has been classified as a Variant of Uncertain Significance.

NM_003701.4(TNFSF11):c.254A>G (p.His85Arg)

Genes: TNFSF11 (TNF superfamily member 11; plus strand), LOC126861752 (BRD4-independent group 4 enhancer GRCh37_chr13:43155073-43156272; plus strand). Cytogenetic location: 13q14.11.
Variant type: single nucleotide variant.
Coding change: c.254A>G on transcript NM_003701.4 (MANE Select); coding-DNA position 254, A replaced by G.
Protein change: p.His85Arg; replaces histidine 85 with arginine.
Molecular consequence: missense variant.
Genome position (GRCh38, 1-based): chr13:42,581,160, A>G. VCF-style: chr13-42581160-A-G. GRCh37 (hg19) VCF-style: chr13-43155296-A-G.
Other names: c.35A>G, p.His12Arg (NM_033012.4); short protein forms H12R, H85R.
Identifiers: ClinVar variation 1396652 (VCV001396652.7), dbSNP rs199910582, ClinGen allele CA388214304.